The following is an entry in ClinVar:

NM_001318789.2(TLR2):c.2121T>C (p.Phe707=)

Gene: TLR2 (toll like receptor 2; plus strand). Cytogenetic location: 4q31.3.
Variant type: single nucleotide variant.
Coding change: c.2121T>C on transcript NM_001318789.2 (MANE Select); coding-DNA position 2121, T replaced by C.
Protein change: p.Phe707=; no amino-acid change (phenylalanine 707 retained).
Molecular consequence: synonymous variant.
Genome position (GRCh38, 1-based): chr4:153,705,028, T>C. VCF-style: chr4-153705028-T-C. GRCh37 (hg19) VCF-style: chr4-154626180-T-C.
Other names: c.2121T>C, p.Phe707= (NM_001318787.2, NM_001318790.2, NM_001318791.2 and 4 more transcripts).
Identifiers: ClinVar variation 3037327 (VCV003037327.2), dbSNP rs5743705, ClinGen allele CA3111013.

ClinVar aggregate classification (germline): Benign (0 of 4 stars; one submission).

Conditions:
TLR2-related disorder. Also called: TLR2-related condition.

Allele frequency attached by ClinVar (database versions not stated): ESP Exome Variant Server 0.00131; gnomAD 0.00583; TOPMed 0.00920; ExAC 0.01198; 1000 Genomes Project 0.01617; 1000 Genomes Project 30x 0.01655.

Submission:

PreventionGenetics, part of Exact Sciences
Classification: Benign for TLR2-related condition. Last evaluated: 2019-11-15. Review status: no assertion criteria provided. Collection method: clinical testing. Allele origin: germline.
Comment: This variant is classified as benign based on ACMG/AMP sequence variant interpretation guidelines (Richards et al. 2015 PMID: 25741868, with internal and published modifications).